The following is an entry in ClinVar:

ClinVar aggregate classification (germline): Uncertain significance (1 of 4 stars; one submission).

Conditions:
Dilated cardiomyopathy 1G (CMD1G). Identifiers: Orphanet 154, MedGen C1858763, MONDO:0011400, OMIM 604145.
Autosomal recessive limb-girdle muscular dystrophy type 2J (LGMDR10). Also called: Limb-girdle muscular dystrophy, type 2J; MUSCULAR DYSTROPHY, LIMB-GIRDLE, AUTOSOMAL RECESSIVE 10. Identifiers: Orphanet 140922, MedGen C1837342, MONDO:0012127, OMIM 608807.

Submission:

Labcorp Genetics (formerly Invitae), Labcorp
Classification: Uncertain significance for Dilated cardiomyopathy 1G; Autosomal recessive limb-girdle muscular dystrophy type 2J. Last evaluated: 2022-09-17. Review status: criteria provided, single submitter. Criteria: Invitae Variant Classification Sherloc (09022015). Collection method: clinical testing. Allele origin: germline.
Comment: This sequence change replaces asparagine, which is neutral and polar, with histidine, which is basic and polar, at codon 35496 of the TTN protein (p.Asn35496His). This variant is not present in population databases (gnomAD no frequency). This variant has not been reported in the literature in individuals affected with TTN-related conditions. ClinVar contains an entry for this variant (Variation ID: 857404). Experimental studies and prediction algorithms are not available or were not evaluated, and the functional significance of this variant is currently unknown. This variant is located in the M band of TTN (PMID: 25589632). Variants in this region may be relevant for neuromuscular disorders, but have not been definitively shown to cause cardiomyopathy (PMID: 23975875). In summary, the available evidence is currently insufficient to determine the role of this variant in disease. Therefore, it has been classified as a Variant of Uncertain Significance.

Literature cited by the submitters: PubMed 25589632; PubMed 23975875.

NM_001267550.2(TTN):c.106486A>C (p.Asn35496His)

Genes: TTN (titin; minus strand), TTN-AS1 (TTN antisense RNA 1; plus strand). Cytogenetic location: 2q31.2.
Variant type: single nucleotide variant.
Coding change: c.106486A>C on transcript NM_001267550.2 (MANE Select); coding-DNA position 106486, A replaced by C.
Protein change: p.Asn35496His; replaces asparagine 35496 with histidine.
Molecular consequence: missense variant.
Genome position (GRCh38, 1-based): chr2:178,530,005, T>G on the plus strand (A>C on the coding strand, the complement: TTN is on the minus strand). VCF-style: chr2-178530005-T-G. GRCh37 (hg19) VCF-style: chr2-179394732-T-G.
Other names: c.101563A>C, p.Asn33855His (NM_001256850.1); c.79291A>C, p.Asn26431His (NM_003319.4); c.98782A>C, p.Asn32928His (NM_133378.4); c.79666A>C, p.Asn26556His (NM_133432.3); c.79867A>C, p.Asn26623His (NM_133437.4); short protein forms N26431H, N26623H, N32928H, N35496H, N26556H, N33855H.
Identifiers: ClinVar variation 857404 (VCV000857404.10), dbSNP rs1688351717, ClinGen allele CA349405096.